The following is an entry in ClinVar:

NM_001394062.1(MACF1):c.3782+3G>C

Gene: MACF1 (microtubule actin crosslinking factor 1; plus strand). Cytogenetic location: 1p34.3.
Variant type: single nucleotide variant.
Coding change: c.3782+3G>C on transcript NM_001394062.1 (MANE Select); 3 bases into the intron after coding-DNA position 3782, G replaced by C.
Molecular consequence: intron variant.
Genome position (GRCh38, 1-based): chr1:39,317,410, G>C. VCF-style: chr1-39317410-G-C. GRCh37 (hg19) VCF-style: chr1-39783082-G-C.
Other names: c.3797+3G>C (NM_012090.5).
Identifiers: ClinVar variation 2190298 (VCV002190298.4), dbSNP rs375506992, ClinGen allele CA780060.
Genomic context (GRCh38, chr1:39,317,410, plus strand): 5'-AAAAAGGCTCCCAGCTGCAGGAGCGTTGGCACCGAGTCATTGCCCAGCTCGAGATTCGGT[G>C]AGTGGTGGCCCCACCTTTTTCTCCTATTAGAGTTCAGGGACTAGGTCTTAAACAAAAACA-3'

ClinVar aggregate classification (germline): Uncertain significance (1 of 4 stars; one submission).

Allele frequency attached by ClinVar (database versions not stated): gnomAD exomes 0.00002; ExAC 0.00003; ESP Exome Variant Server 0.00008; gnomAD 0.00013; TOPMed 0.00014.
gnomAD v4.1: 45 of 1,611,896 alleles (0.0028%); highest among the groups gnomAD compares: African/African-American, 0.055%; no homozygotes.

Submission:

Labcorp Genetics (formerly Invitae), Labcorp
Classification: Uncertain significance. Last evaluated: 2025-12-23. Review status: criteria provided, single submitter. Criteria: Invitae Variant Classification Sherloc (09022015). Collection method: clinical testing. Allele origin: germline.
Comment: This sequence change falls in intron 28 of the MACF1 gene. It does not directly change the encoded amino acid sequence of the MACF1 protein. It affects a nucleotide within the consensus splice site. This variant is present in population databases (rs375506992, gnomAD 0.05%). This variant has not been reported in the literature in individuals affected with MACF1-related conditions. ClinVar contains an entry for this variant (Variation ID: 2190298). Variants that disrupt the consensus splice site are a relatively common cause of aberrant splicing (PMID: 17576681, 9536098). Algorithms developed to predict the effect of sequence changes on RNA splicing suggest that this variant is not likely to affect RNA splicing. In summary, the available evidence is currently insufficient to determine the role of this variant in disease. Therefore, it has been classified as a Variant of Uncertain Significance.

Literature cited by the submitters: PubMed 17576681; PubMed 9536098.